The following is an entry in ClinVar:

ClinVar aggregate classification (germline): Uncertain significance (1 of 4 stars; one submission).

Conditions:
Usher syndrome type 3B. Also called: USHER SYNDROME, TYPE IIIB. Identifiers: MedGen C3281066, MONDO:0013788, OMIM 614504.

gnomAD v4.1: 24 of 1,608,942 alleles (0.0015%); highest among the groups gnomAD compares: Non-Finnish European, 0.0019%; no homozygotes.

Submission:

Labcorp Genetics (formerly Invitae), Labcorp
Classification: Uncertain significance for Usher syndrome type 3B. Last evaluated: 2024-06-25. Review status: criteria provided, single submitter. Criteria: Invitae Variant Classification Sherloc (09022015). Collection method: clinical testing. Allele origin: germline.
Comment: This sequence change replaces proline, which is neutral and non-polar, with serine, which is neutral and polar, at codon 505 of the HARS protein (p.Pro505Ser). This variant is present in population databases (rs747156884, gnomAD 0.0009%). This missense change has been observed in individual(s) with HARS-related conditions (PMID: 22930593). Algorithms developed to predict the effect of missense changes on protein structure and function output the following: SIFT: "Not Available"; PolyPhen-2: "Benign"; Align-GVGD: "Not Available". The serine amino acid residue is found in multiple mammalian species, which suggests that this missense change does not adversely affect protein function. Experimental studies have shown that this missense change does not substantially affect HARS function (PMID: 22930593). In summary, the available evidence is currently insufficient to determine the role of this variant in disease. Therefore, it has been classified as a Variant of Uncertain Significance.

Literature cited by the submitters: PubMed 22930593.

NM_002109.6(HARS1):c.1513C>T (p.Pro505Ser)

Gene: HARS1 (histidyl-tRNA synthetase 1; minus strand). Cytogenetic location: 5q31.3.
Variant type: single nucleotide variant.
Coding change: c.1513C>T on transcript NM_002109.6 (MANE Select); coding-DNA position 1513, C replaced by T.
Protein change: p.Pro505Ser; replaces proline 505 with serine.
Molecular consequence: missense variant.
Genome position (GRCh38, 1-based): chr5:140,674,274, G>A on the plus strand (C>T on the coding strand, the complement: HARS1 is on the minus strand). VCF-style: chr5-140674274-G-A. GRCh37 (hg19) VCF-style: chr5-140053859-G-A.
Other names: c.1393C>T, p.Pro465Ser (NM_001258040.3); c.1453C>T, p.Pro485Ser (NM_001258041.3); c.1333C>T, p.Pro445Ser (NM_001258042.3); c.1291C>T, p.Pro431Ser (NM_001289092.2); c.1171C>T, p.Pro391Ser (NM_001289093.2); c.1426C>T, p.Pro476Ser (NM_001289094.2); short protein forms P391S, P431S, P445S, P465S, P476S, P485S, P505S.
Identifiers: ClinVar variation 3625976 (VCV003625976.2).
Genomic context (GRCh38, chr5:140,674,274, plus strand): 5'-ATAGTGCCAGTCCCACTTCCTTTCCTCTGATAGTTTGTTCAGTTCAGCAGATGCAGAGGG[G>A]CTGGCCTGTTCTCCTTTTGATTTCCTCCACAAGGTCTTCTCTTCGGACATCCACCTGGCC-3'
Protein context (NP_002100.2, residues 495-509): VEEIKRRTGQ[Pro505Ser]LCIC